The following is an entry in ClinVar:

NM_004985.5(KRAS):c.519T>C (p.Asp173=)

Gene: KRAS (KRas proto-oncogene, GTPase; minus strand). Cytogenetic location: 12p12.1.
Variant type: single nucleotide variant.
Coding change: c.519T>C on transcript NM_004985.5 (MANE Select); coding-DNA position 519, T replaced by C.
Protein change: p.Asp173=; no amino-acid change (aspartic acid 173 retained).
Molecular consequence: synonymous variant. On other transcripts: 3 prime UTR variant (2).
Genome position (GRCh38, 1-based): chr12:25,209,843, A>G on the plus strand (T>C on the coding strand, the complement: KRAS is on the minus strand). VCF-style: chr12-25209843-A-G. GRCh37 (hg19) VCF-style: chr12-25362777-A-G.
Other names: p.D173D:GAT>GAC; NM_004985.4(KRAS):c.519T>C; NM_004985.5(KRAS):c.519T>C; c.*73T>C (NM_001369786.1, NM_033360.4); c.519T>C, p.Asp173= (NM_001369787.1).
Identifiers: ClinVar variation 41449 (VCV000041449.48), dbSNP rs1137282, ClinGen allele CA135582.

ClinVar aggregate classification (germline): Benign. Review status: reviewed by expert panel (3 of 4 stars). 16 submissions from 16 submitters: Benign (1). 15 of the submissions do not count toward it. Last evaluated 2024-12-03.

Conditions:
Cardiovascular phenotype. Identifiers: MedGen CN230736.
RASopathy. Also called: rasopathies; Noonan spectrum disorder. Identifiers: Orphanet 536391, MedGen C5555857, MONDO:0021060.

Allele frequency attached by ClinVar (database versions not stated): gnomAD exomes 0.19078 and 0.20738; gnomAD 0.19382 and 0.19563; 1000 Genomes Project 0.17552; 1000 Genomes Project 30x 0.17926; TOPMed 0.19555; ExAC 0.19690; ESP Exome Variant Server 0.20077.
gnomAD v4.1: 331,554 of 1,609,518 alleles (21%); highest among the groups gnomAD compares: Middle Eastern, 24%; 34,745 homozygotes.

Submissions (16):

ClinGen RASopathy Variant Curation Expert Panel
Classification: Benign for RASopathy. Last evaluated: 2024-12-03. Review status: reviewed by expert panel. Criteria: ClinGen RASopathy ACMG Specifications KRAS V2.3.0. Collection method: curation. Allele origin: germline. Inheritance: Autosomal dominant inheritance.
Comment: The c.519T>C variant in the KRAS gene is a synonymous (silent) variant (p.Asp173=) at a nucleotide that is not conserved as shown by UCSC browser, and not predicted by SpliceAI to impact splicing (BP4, BP7). The filtering allele frequency in gnomAD v2.1.1 is 0.2201 (28382/128282 alleles with 3073 homozygotes) in the European (non-Finnish) population, which is higher than the ClinGen RASopathy VCEP threshold (>0.0005) for BA1, and therefore meets this criterion (BA1). In summary, this variant meets criteria to be classified as benign for autosomal dominant RASopathies based on the ACMG/AMP criteria applied, as specified by the ClinGen RASopathy Variant Curation Expert Panel: BA1, BP4, BP7 (Specification Version 2.3, 12/3/2024)

Labcorp Genetics (formerly Invitae), Labcorp
Classification: Benign for RASopathy. Last evaluated: 2026-02-04. Review status: criteria provided, single submitter. Criteria: Invitae Variant Classification Sherloc (09022015). Collection method: clinical testing. Allele origin: germline. Not counted in ClinVar's aggregate classification.

ARUP Laboratories, Molecular Genetics and Genomics, ARUP Laboratories
Classification: Benign. Last evaluated: 2025-07-30. Review status: criteria provided, single submitter. Criteria: ARUP Molecular Germline Variant Investigation Process 2024. Collection method: clinical testing. Allele origin: germline. Not counted in ClinVar's aggregate classification.

Blueprint Genetics
Classification: Benign. Last evaluated: 2024-11-27. Review status: criteria provided, single submitter. Criteria: ACMG Guidelines, 2015. Collection method: clinical testing. Allele origin: germline. Not counted in ClinVar's aggregate classification.

Unidad de Genómica Garrahan, Hospital de Pediatría Garrahan
Classification: Benign. Last evaluated: 2023-11-12. Review status: criteria provided, single submitter. Criteria: ACMG Guidelines, 2015. Collection method: clinical testing. Allele origin: germline. Affected: no. Observed: 22 variant alleles. Not counted in ClinVar's aggregate classification.
Comment: This variant is classified as Benign based on local population frequency. This variant was detected in 23% of patients studied by a panel of primary immunodeficiencies. Number of patients: 22. Only high quality variants are reported.

Ambry Genetics
Classification: Benign for Cardiovascular phenotype. Last evaluated: 2016-07-19. Review status: criteria provided, single submitter. Criteria: Ambry Variant Classification Scheme 2023. Collection method: clinical testing. Allele origin: germline. Not counted in ClinVar's aggregate classification.

GeneDx
Classification: Benign. Last evaluated: 2016-06-07. Review status: criteria provided, single submitter. Criteria: GeneDx Variant Classification (06012015). Collection method: clinical testing. Allele origin: germline. Affected: yes. Not counted in ClinVar's aggregate classification.
Comment: This variant is considered likely benign or benign based on one or more of the following criteria: it is a conservative change, it occurs at a poorly conserved position in the protein, it is predicted to be benign by multiple in silico algorithms, and/or has population frequency not consistent with disease.

Eurofins Ntd Llc (ga)
Classification: Benign. Last evaluated: 2015-06-08. Review status: criteria provided, single submitter. Criteria: EGL Classification Definitions 2015. Collection method: clinical testing. Allele origin: germline. Observed: 6 variant alleles, 4 heterozygotes, 2 homozygotes. Not counted in ClinVar's aggregate classification.

Mayo Clinic Laboratories, Mayo Clinic
Classification: Benign. Last evaluated: 2014-05-08. Review status: criteria provided, single submitter. Criteria: ACMG Guidelines, 2015. Collection method: clinical testing. Allele origin: germline. Observed: 590 variant alleles. Not counted in ClinVar's aggregate classification.

Laboratory for Molecular Medicine, Mass General Brigham Personalized Medicine
Classification: Benign. Last evaluated: 2007-03-19. Review status: criteria provided, single submitter. Criteria: LMM Criteria. Collection method: clinical testing. Allele origin: germline. Observed: 1,252 variant alleles. Not counted in ClinVar's aggregate classification.

Breakthrough Genomics
Classification: Benign. Review status: criteria provided, single submitter. Criteria: ACMG Guidelines, 2015. Collection method: not provided. Allele origin: germline. Inheritance: Autosomal dominant inheritance. Affected: yes. Not counted in ClinVar's aggregate classification.

PreventionGenetics, part of Exact Sciences
Classification: Benign. Review status: criteria provided, single submitter. Criteria: ACMG Guidelines, 2015. Collection method: clinical testing. Allele origin: germline. Not counted in ClinVar's aggregate classification.

Greenwood Genetic Center Diagnostic Laboratories, Greenwood Genetic Center
Classification: Benign. Last evaluated: 2015-01-15. Review status: no assertion criteria provided. Collection method: clinical testing. Allele origin: germline. Not counted in ClinVar's aggregate classification.

Clinical Genetics, Academic Medical Center
Classification: Benign. Review status: no assertion criteria provided. Collection method: clinical testing. Allele origin: germline. Affected: yes. Study: VKGL Data-share Consensus. Not counted in ClinVar's aggregate classification.

Diagnostic Laboratory, Department of Genetics, University Medical Center Groningen
Classification: Benign. Review status: no assertion criteria provided. Collection method: clinical testing. Allele origin: germline. Affected: yes. Study: VKGL Data-share Consensus. Not counted in ClinVar's aggregate classification.

Joint Genome Diagnostic Labs from Nijmegen and Maastricht, Radboudumc and MUMC+
Classification: Benign. Review status: no assertion criteria provided. Collection method: clinical testing. Allele origin: germline. Affected: yes. Study: VKGL Data-share Consensus. Not counted in ClinVar's aggregate classification.